The following is an entry in ClinVar:

NM_000390.4(CHM):c.1680del (p.Ser561fs)

Gene: CHM (CHM Rab escort protein; minus strand). Cytogenetic location: Xq21.2.
Variant type: Deletion.
Coding change: c.1680del on transcript NM_000390.4 (MANE Select); coding-DNA position 1680, one base deleted (C; older notation c.1680delC).
Protein change: p.Ser561fs; shifts the reading frame from serine 561.
Molecular consequence: frameshift variant.
Genome position (GRCh38, 1-based): chrX:85,873,142, G deleted on the plus strand (C on the coding strand, the reverse complement: CHM is on the minus strand). VCF-style (leftmost placement, unchanged base first): chrX-85873141-TG-T. GRCh37 (hg19) VCF-style: chrX-85128146-TG-T.
Other names: c.1680del (LRG_699t1); c.1236del, p.Ser413fs (NM_001320959.1, NM_001362517.1, NM_001362518.2 and 1 more transcripts); short protein forms S413fs, S561fs.
Identifiers: ClinVar variation 546493 (VCV000546493.3), dbSNP rs1556207100, ClinGen allele CA658823911.

ClinVar aggregate classification (germline): Pathogenic/Likely pathogenic. Review status: criteria provided, multiple submitters, no conflicts (2 of 4 stars). 2 submissions from 2 submitters: Pathogenic (1); Likely pathogenic (1). Last evaluated 2022-05-04.

Conditions:
Choroideremia. Also called: Chorioretinal scalloped atrophy. Identifiers: Orphanet 180, MedGen C0008525, MONDO:0010557, OMIM 303100, HP:0001139.

Submissions (2):

Mendelics
Classification: Pathogenic for Choroideremia. Last evaluated: 2022-05-04. Review status: criteria provided, single submitter. Criteria: Mendelics Assertion Criteria 2019. Collection method: clinical testing. Allele origin: germline.

GeneDx
Classification: Likely pathogenic. Last evaluated: 2018-05-22. Review status: criteria provided, single submitter. Criteria: GeneDx Variant Classification (06012015). Collection method: clinical testing. Allele origin: germline. Affected: yes.
Comment: The c.1680delC variant in the CHM gene has not been reported previously as a pathogenic variant nor as a benign variant, to our knowledge. This variant causes a frameshift starting with codon Serine 561, changes this amino acid to an Alanine residue, and creates a premature Stop codon at position 22 of the new reading frame, denoted p.Ser561AlafsX22. This variant is predicted to cause loss of normal protein function through protein truncation, as the last 93 amino acids of the protein are replaced with 21 incorrect amino acids. The c.1680delC variant is not observed in large population cohorts (Lek et al., 2016). We interpret c.1680delC as a likely pathogenic variant.